The following is an entry in ClinVar:

ClinVar aggregate classification (germline): Uncertain significance. Review status: criteria provided, multiple submitters, no conflicts (2 of 4 stars). 4 submissions from 4 submitters: Uncertain significance (2). 2 of the submissions do not count toward it. Last evaluated 2024-01-02.

Conditions:
BBS1-related disorder. Also called: BBS1-related condition.
Bardet-Biedl syndrome (BBS). Identifiers: Orphanet 110, MedGen C0752166, MONDO:0015229.
Bardet-Biedl syndrome 1 (BBS1). Identifiers: MedGen C2936862, MONDO:0008854, OMIM 209900. Disease mechanism: loss of function.

Allele frequency attached by ClinVar (database versions not stated): gnomAD exomes 0.00003 and 0.00004; TOPMed 0.00004; gnomAD 0.00002; ExAC 0.00001.
gnomAD v4.1: 48 of 1,613,684 alleles (0.003%); highest among the groups gnomAD compares: Admixed American, 0.013%; no homozygotes.

Submissions (4):

Labcorp Genetics (formerly Invitae), Labcorp
Classification: Uncertain significance for Bardet-Biedl syndrome. Last evaluated: 2024-01-02. Review status: criteria provided, single submitter. Criteria: Invitae Variant Classification Sherloc (09022015). Collection method: clinical testing. Allele origin: germline.
Comment: This sequence change replaces methionine, which is neutral and non-polar, with threonine, which is neutral and polar, at codon 242 of the BBS1 protein (p.Met242Thr). This variant is present in population databases (rs771506842, gnomAD 0.02%). This variant has not been reported in the literature in individuals affected with BBS1-related conditions. ClinVar contains an entry for this variant (Variation ID: 969824). An algorithm developed to predict the effect of missense changes on protein structure and function (PolyPhen-2) suggests that this variant¬†is likely to be tolerated. In summary, the available evidence is currently insufficient to determine the role of this variant in disease. Therefore, it has been classified as a Variant of Uncertain Significance.

Fulgent Genetics
Classification: Uncertain significance for Bardet-Biedl syndrome 1. Last evaluated: 2021-12-06. Review status: criteria provided, single submitter. Criteria: ACMG Guidelines, 2015. Collection method: clinical testing. Allele origin: unknown.

PreventionGenetics, part of Exact Sciences
Classification: Uncertain significance for BBS1-related condition. Last evaluated: 2024-05-02. Review status: no assertion criteria provided. Collection method: clinical testing. Allele origin: germline. Not counted in ClinVar's aggregate classification.
Comment: The BBS1 c.725T>C variant is predicted to result in the amino acid substitution p.Met242Thr. To our knowledge, this variant has not been reported in the literature. This variant is reported in 0.020% of alleles in individuals of Latino descent in gnomAD. At this time, the clinical significance of this variant is uncertain due to the absence of conclusive functional and genetic evidence.

Natera, Inc.
Classification: Uncertain significance for Bardet-Biedl syndrome type 1. Last evaluated: 2020-08-01. Review status: no assertion criteria provided. Collection method: clinical testing. Allele origin: germline. Not counted in ClinVar's aggregate classification.

NM_024649.5(BBS1):c.725T>C (p.Met242Thr)

Genes: BBS1 (Bardet-Biedl syndrome 1; plus strand), ZDHHC24 (zDHHC palmitoyltransferase 24; minus strand). Cytogenetic location: 11q13.2.
Variant type: single nucleotide variant.
Coding change: c.725T>C on transcript NM_024649.5 (MANE Select); coding-DNA position 725, T replaced by C.
Protein change: p.Met242Thr; replaces methionine 242 with threonine.
Molecular consequence: missense variant. On other transcripts: 3 prime UTR variant (1).
Genome position (GRCh38, 1-based): chr11:66,521,271, T>C. VCF-style: chr11-66521271-T-C. GRCh37 (hg19) VCF-style: chr11-66288742-T-C.
Other names: c.*217A>G (NM_001348571.2); short protein forms M242T.
Identifiers: ClinVar variation 969824 (VCV000969824.11), dbSNP rs771506842, ClinGen allele CA6123472.
Genomic context (GRCh38, chr11:66,521,271, plus strand): 5'-AGGGCAGGGAGGGACGGGGGCTCCAGAGAAATTGGAGTGTTTGCGCTTCTTGTTTGCAGA[T>C]GAGCCTTCCCAGCGTCCCCGTCTTCCTAGAGGTTTCTGGCCAGTTTGATGTTGAGTTCCG-3'
Protein context (NP_078925.3, residues 232-252): DPEAFTILAK[Met242Thr]SLPSVPVFLE